The following is an entry in ClinVar:

ClinVar aggregate classification (germline): Uncertain significance (1 of 4 stars; one submission).

Conditions:
Long QT syndrome (LQTS). Identifiers: MedGen C0023976, MeSH D008133, MONDO:0002442. Disease mechanism: loss of function. Inheritance: Various modes of inheritance.

Allele frequency attached by ClinVar (database versions not stated): gnomAD 0.00003 and 0.00002; TOPMed below 0.00001.

Submission:

Labcorp Genetics (formerly Invitae), Labcorp
Classification: Uncertain significance for Long QT syndrome. Last evaluated: 2024-06-30. Review status: criteria provided, single submitter. Criteria: Invitae Variant Classification Sherloc (09022015). Collection method: clinical testing. Allele origin: germline.
Comment: This sequence change replaces glycine, which is neutral and non-polar, with glutamic acid, which is acidic and polar, at codon 813 of the CACNA1C protein (p.Gly813Glu). This variant is not present in population databases (gnomAD no frequency). This variant has not been reported in the literature in individuals affected with CACNA1C-related conditions. ClinVar contains an entry for this variant (Variation ID: 566498). Advanced modeling of protein sequence and biophysical properties (such as structural, functional, and spatial information, amino acid conservation, physicochemical variation, residue mobility, and thermodynamic stability) performed at Invitae indicates that this missense variant is not expected to disrupt CACNA1C protein function with a negative predictive value of 95%. In summary, the available evidence is currently insufficient to determine the role of this variant in disease. Therefore, it has been classified as a Variant of Uncertain Significance.

NM_000719.7(CACNA1C):c.2438G>A (p.Gly813Glu)

Gene: CACNA1C (calcium voltage-gated channel subunit alpha1 C; plus strand). Cytogenetic location: 12p13.33.
Variant type: single nucleotide variant.
Coding change: c.2438G>A on transcript NM_000719.7 (MANE Select); coding-DNA position 2438, G replaced by A.
Protein change: p.Gly813Glu; replaces glycine 813 with glutamic acid.
Molecular consequence: missense variant.
Genome position (GRCh38, 1-based): chr12:2,585,474, G>A. VCF-style: chr12-2585474-G-A. GRCh37 (hg19) VCF-style: chr12-2694640-G-A.
Other names: c.2438G>A, p.Gly813Glu (NM_001129827.2, NM_001129829.2, NM_001129830.3 and 18 more transcripts); c.2429G>A, p.Gly810Glu (NM_001129844.2); short protein forms G813E, G810E.
Identifiers: ClinVar variation 566498 (VCV000566498.9), dbSNP rs1568590011, ClinGen allele CA383371821.